The following is an entry in ClinVar:

NM_000318.3(PEX2):c.549_550del (p.Ile183fs)

Gene: PEX2 (peroxisomal biogenesis factor 2; minus strand). Cytogenetic location: 8q21.13.
Variant type: Microsatellite.
Coding change: c.549_550del on transcript NM_000318.3 (MANE Select); coding-DNA positions 549 to 550, 2 bases deleted (AT; older notation c.549_550delAT).
Protein change: p.Ile183fs; shifts the reading frame from isoleucine 183.
Molecular consequence: frameshift variant.
Genome position (GRCh38, 1-based): chr8:76,983,629-76,983,630, AT deleted on the plus strand (AT on the coding strand, the reverse complement: PEX2 is on the minus strand); deleting any 2 consecutive bases within chr8:76,983,629-76,983,632 gives the same sequence; the c. name uses the placement nearest the transcript's 3' end. VCF-style (leftmost placement, unchanged base first): chr8-76983628-CAT-C. GRCh37 (hg19) VCF-style: chr8-77895864-CAT-C.
Other names: c.549_550del, p.Ile183fs (NM_001079867.2, NM_001172086.2, NM_001172087.2); c.548_550delinsC (NM_000318.2); short protein forms I183fs.
Identifiers: ClinVar variation 858381 (VCV000858381.8), dbSNP rs756891007, ClinGen allele CA4788689.

ClinVar aggregate classification (germline): Pathogenic/Likely pathogenic. Review status: criteria provided, multiple submitters, no conflicts (2 of 4 stars). 3 submissions from 3 submitters: Pathogenic (1); Likely pathogenic (2). Last evaluated 2024-02-17.

Conditions:
Peroxisome biogenesis disorder 5A (Zellweger) (PBD5A). Identifiers: Orphanet 912, MedGen C3553940, MONDO:0013932, OMIM 614866.
Peroxisome biogenesis disorder 5B (PBD5B). Identifiers: Orphanet 44, MedGen C3542026, MONDO:0013933, OMIM 614867.

Submissions (3):

Baylor Genetics
Classification: Likely pathogenic for Peroxisome biogenesis disorder 5A (Zellweger). Last evaluated: 2024-02-17. Review status: criteria provided, single submitter. Criteria: ACMG Guidelines, 2015. Collection method: clinical testing. Allele origin: unknown.

Fulgent Genetics
Classification: Likely pathogenic for Peroxisome biogenesis disorder 5A (Zellweger); Peroxisome biogenesis disorder 5B. Last evaluated: 2024-02-14. Review status: criteria provided, single submitter. Criteria: ACMG Guidelines, 2015. Collection method: clinical testing. Allele origin: germline.

Labcorp Genetics (formerly Invitae), Labcorp
Classification: Pathogenic for Peroxisome biogenesis disorder 5A (Zellweger). Last evaluated: 2023-04-22. Review status: criteria provided, single submitter. Criteria: Invitae Variant Classification Sherloc (09022015). Collection method: clinical testing. Allele origin: germline.
Comment: This variant is present in population databases (rs756891007, gnomAD 0.004%). For these reasons, this variant has been classified as Pathogenic. This variant disrupts a region of the PEX2 protein in which other variant(s) (p.Arg184Valfs*8) have been determined to be pathogenic (PMID: 10652207; Invitae). This suggests that this is a clinically significant region of the protein, and that variants that disrupt it are likely to be disease-causing. ClinVar contains an entry for this variant (Variation ID: 858381). This variant has not been reported in the literature in individuals affected with PEX2-related conditions. This sequence change creates a premature translational stop signal (p.Ile183Metfs*2) in the PEX2 gene. While this is not anticipated to result in nonsense mediated decay, it is expected to disrupt the last 123 amino acid(s) of the PEX2 protein.

Literature cited by the submitters: PubMed 10652207 (cited by Labcorp Genetics (formerly Invitae), Labcorp).